The following is an entry in ClinVar:

ClinVar aggregate classification (germline): Uncertain significance. Review status: criteria provided, multiple submitters, no conflicts (2 of 4 stars). 3 submissions from 3 submitters: Uncertain significance (3). Last evaluated 2024-04-17.

Conditions:
Inborn genetic diseases. Identifiers: MedGen C0950123, MeSH D030342.
Autosomal recessive hypophosphatemic bone disease (HHRH). Also called: Hypophosphatemic rickets with hypercalciuria; HYPERCALCIURIC RICKETS. Identifiers: Orphanet 157215, MedGen C1853271, MONDO:0009431, OMIM 241530.

Allele frequency attached by ClinVar (database versions not stated): gnomAD exomes 0.00006 and 0.00011; gnomAD 0.00007 and 0.00008; ExAC 0.00008; ESP Exome Variant Server 0.00041.

Submissions (3):

Fulgent Genetics
Classification: Uncertain significance for Autosomal recessive hypophosphatemic bone disease. Last evaluated: 2024-04-17. Review status: criteria provided, single submitter. Criteria: ACMG Guidelines, 2015. Collection method: clinical testing. Allele origin: germline.

Labcorp Genetics (formerly Invitae), Labcorp
Classification: Uncertain significance. Last evaluated: 2023-10-04. Review status: criteria provided, single submitter. Criteria: Invitae Variant Classification Sherloc (09022015). Collection method: clinical testing. Allele origin: germline.
Comment: This sequence change replaces proline, which is neutral and non-polar, with leucine, which is neutral and non-polar, at codon 539 of the SLC34A3 protein (p.Pro539Leu). This variant is present in population databases (rs201678672, gnomAD 0.02%). This variant has not been reported in the literature in individuals affected with SLC34A3-related conditions. ClinVar contains an entry for this variant (Variation ID: 1053787). Advanced modeling of protein sequence and biophysical properties (such as structural, functional, and spatial information, amino acid conservation, physicochemical variation, residue mobility, and thermodynamic stability) performed at Invitae indicates that this missense variant is expected to disrupt SLC34A3 protein function. In summary, the available evidence is currently insufficient to determine the role of this variant in disease. Therefore, it has been classified as a Variant of Uncertain Significance.

Ambry Genetics
Classification: Uncertain significance for Inborn genetic diseases. Last evaluated: 2021-07-09. Review status: criteria provided, single submitter. Criteria: Ambry Variant Classification Scheme 2023. Collection method: clinical testing. Allele origin: germline.

NM_001177316.2(SLC34A3):c.1616C>T (p.Pro539Leu)

Gene: SLC34A3 (solute carrier family 34 member 3; plus strand). Cytogenetic location: 9q34.3.
Variant type: single nucleotide variant.
Coding change: c.1616C>T on transcript NM_001177316.2 (MANE Select); coding-DNA position 1616, C replaced by T.
Protein change: p.Pro539Leu; replaces proline 539 with leucine.
Molecular consequence: missense variant.
Genome position (GRCh38, 1-based): chr9:137,236,232, C>T. VCF-style: chr9-137236232-C-T. GRCh37 (hg19) VCF-style: chr9-140130684-C-T.
Other names: c.1616C>T, p.Pro539Leu (NM_001177317.2, NM_080877.3); c.1616C>T (NM_080877.2); short protein forms P539L.
Identifiers: ClinVar variation 1053787 (VCV001053787.9), dbSNP rs201678672, ClinGen allele CA5365015.